The following is an entry in ClinVar:

ClinVar aggregate classification (germline): Uncertain significance (1 of 4 stars; one submission).

Conditions:
KBG syndrome (KBGS). Also called: ANKRD11-Related KBG Syndrome. Identifiers: Orphanet 2332, MedGen C0220687, MONDO:0007846, OMIM 148050.

Allele frequency attached by ClinVar (database versions not stated): gnomAD exomes below 0.00001.
gnomAD v4.1: 2 of 1,612,656 alleles (0.00012%); highest among the groups gnomAD compares: Admixed American, 0.0017%; no homozygotes.

Submission:

Labcorp Genetics (formerly Invitae), Labcorp
Classification: Uncertain significance for KBG syndrome. Last evaluated: 2022-08-16. Review status: criteria provided, single submitter. Criteria: Invitae Variant Classification Sherloc (09022015). Collection method: clinical testing. Allele origin: germline.
Comment: In summary, the available evidence is currently insufficient to determine the role of this variant in disease. Therefore, it has been classified as a Variant of Uncertain Significance. Advanced modeling of protein sequence and biophysical properties (such as structural, functional, and spatial information, amino acid conservation, physicochemical variation, residue mobility, and thermodynamic stability) performed at Invitae indicates that this missense variant is not expected to disrupt ANKRD11 protein function. This variant has not been reported in the literature in individuals affected with ANKRD11-related conditions. This variant is not present in population databases (gnomAD no frequency). This sequence change replaces glutamic acid, which is acidic and polar, with glutamine, which is neutral and polar, at codon 1927 of the ANKRD11 protein (p.Glu1927Gln).

NM_013275.6(ANKRD11):c.5779G>C (p.Glu1927Gln)

Gene: ANKRD11 (ankyrin repeat domain 11; minus strand). Cytogenetic location: 16q24.3.
Variant type: single nucleotide variant.
Coding change: c.5779G>C on transcript NM_013275.6 (MANE Select); coding-DNA position 5779, G replaced by C.
Protein change: p.Glu1927Gln; replaces glutamic acid 1927 with glutamine.
Molecular consequence: missense variant.
Genome position (GRCh38, 1-based): chr16:89,280,763, C>G on the plus strand (G>C on the coding strand, the complement: ANKRD11 is on the minus strand). VCF-style: chr16-89280763-C-G. GRCh37 (hg19) VCF-style: chr16-89347171-C-G.
Other names: c.5779G>C, p.Glu1927Gln (NM_001256182.2, NM_001256183.2); short protein forms E1927Q.
Identifiers: ClinVar variation 1931268 (VCV001931268.5), dbSNP rs2544226113, ClinGen allele CA397152888.